The following is an entry in ClinVar:

ClinVar aggregate classification (germline): Conflicting classifications of pathogenicity. Review status: criteria provided, conflicting classifications (1 of 4 stars). 5 submissions from 5 submitters: Uncertain significance (4); Benign (1). Last evaluated 2025-12-24.

Conditions:
Emery-Dreifuss muscular dystrophy 5, autosomal dominant (EDMD5). Also called: EMERY-DREIFUSS MUSCULAR DYSTROPHY 5. Identifiers: Orphanet 261, MedGen C2751805, MONDO:0013072, OMIM 612999.

Allele frequency attached by ClinVar (database versions not stated): gnomAD 0.00003; TOPMed 0.00006; ESP Exome Variant Server 0.00008; 1000 Genomes Project 30x 0.00031; 1000 Genomes Project 0.00040.
gnomAD v4.1: 98 of 1,613,886 alleles (0.0061%); highest among the groups gnomAD compares: Admixed American, 0.088%; no homozygotes.

Submissions (5):

Labcorp Genetics (formerly Invitae), Labcorp
Classification: Uncertain significance for Emery-Dreifuss muscular dystrophy 5, autosomal dominant. Last evaluated: 2025-12-24. Review status: criteria provided, single submitter. Criteria: Invitae Variant Classification Sherloc (09022015). Collection method: clinical testing. Allele origin: germline.
Comment: This sequence change replaces glutamic acid, which is acidic and polar, with lysine, which is basic and polar, at codon 6735 of the SYNE2 protein (p.Glu6735Lys). This variant is present in population databases (rs138789938, gnomAD 0.06%), and has an allele count higher than expected for a pathogenic variant. This variant has not been reported in the literature in individuals affected with SYNE2-related conditions. ClinVar contains an entry for this variant (Variation ID: 283703). An algorithm developed to predict the effect of missense changes on protein structure and function (PolyPhen-2) suggests that this variant is likely to be disruptive. In summary, the available evidence is currently insufficient to determine the role of this variant in disease. Therefore, it has been classified as a Variant of Uncertain Significance.

Ambry Genetics
Classification: Uncertain significance. Last evaluated: 2021-07-14. Review status: criteria provided, single submitter. Criteria: Ambry Variant Classification Scheme 2023. Collection method: clinical testing. Allele origin: germline.

Revvity Omics, Revvity
Classification: Uncertain significance for Emery-Dreifuss muscular dystrophy 5, autosomal dominant. Last evaluated: 2019-08-30. Review status: criteria provided, single submitter. Criteria: ACMG Guidelines, 2015. Collection method: clinical testing. Allele origin: germline.

Illumina Laboratory Services, Illumina
Classification: Benign for Emery-Dreifuss muscular dystrophy 5, autosomal dominant. Last evaluated: 2018-01-12. Review status: criteria provided, single submitter. Criteria: ICSL Variant Classification Criteria 13 December 2019. Collection method: clinical testing. Allele origin: germline.
Comment: This variant was observed in the ICSL laboratory as part of a predisposition screen in an ostensibly healthy population. It had not been previously curated by ICSL or reported in the Human Gene Mutation Database (HGMD: prior to June 1st, 2018), and was therefore a candidate for classification through an automated scoring system. Utilizing variant allele frequency, disease prevalence and penetrance estimates, and inheritance mode, an automated score was calculated to assess if this variant is too frequent to cause the disease. Based on the score and internal cut-off values, a variant classified as benign is not then subjected to further curation. The score for this variant resulted in a classification of benign for this disease.

Eurofins Ntd Llc (ga)
Classification: Uncertain significance. Last evaluated: 2015-10-06. Review status: criteria provided, single submitter. Criteria: EGL Classification Definitions 2015. Collection method: clinical testing. Allele origin: germline. Observed: 1 variant allele, 1 heterozygote.

NM_182914.3(SYNE2):c.20203G>A (p.Glu6735Lys)

Gene: SYNE2 (spectrin repeat containing nuclear envelope protein 2; plus strand). Cytogenetic location: 14q23.2.
Variant type: single nucleotide variant.
Coding change: c.20203G>A on transcript NM_182914.3 (MANE Select); coding-DNA position 20203, G replaced by A.
Protein change: p.Glu6735Lys; replaces glutamic acid 6735 with lysine.
Molecular consequence: missense variant.
Genome position (GRCh38, 1-based): chr14:64,223,201, G>A. VCF-style: chr14-64223201-G-A. GRCh37 (hg19) VCF-style: chr14-64689919-G-A.
Other names: c.20134G>A, p.Glu6712Lys (NM_015180.6); c.769G>A, p.Glu257Lys (NM_182910.2); c.1147G>A, p.Glu383Lys (NM_182913.4); short protein forms E6735K, E257K, E383K, E6712K.
Identifiers: ClinVar variation 283703 (VCV000283703.23), dbSNP rs138789938, ClinGen allele CA7224783.